The following is an entry in ClinVar:

ClinVar aggregate classification (germline): Likely benign. Review status: reviewed by expert panel (3 of 4 stars). 19 submissions from 19 submitters: Likely benign (1). 18 of the submissions do not count toward it. Last evaluated 2017-06-29.

Conditions:
Hereditary cancer-predisposing syndrome. Also called: Tumor predisposition; Hereditary neoplastic syndrome; Hereditary Cancer Syndrome; Neoplastic Syndromes, Hereditary. Identifiers: Orphanet 140162, MedGen C0027672, MeSH D009386, MONDO:0015356.
Hereditary breast ovarian cancer syndrome. Also called: Hereditary breast and ovarian cancer; Hereditary breast and/or ovarian cancer syndrome; BRCA1- and BRCA2-Associated Hereditary Breast and Ovarian Cancer; Hereditary breast and ovarian cancer syndrome (HBOC); Hereditary breast and ovarian cancer syndrome; Breast and ovarian cancer. Identifiers: Orphanet 145, MedGen C0677776, MeSH D061325, MONDO:0003582. Disease mechanism: loss of function.
Breast-ovarian cancer, familial, susceptibility to, 1 (BROVCA1). Also called: BRCA1 Hereditary Breast and Ovarian Cancer; OVARIAN CANCER, SUSCEPTIBILITY TO. Identifiers: Orphanet 145, MedGen C2676676, MONDO:0011450, OMIM 604370. Disease mechanism: loss of function.

Allele frequency attached by ClinVar (database versions not stated): ExAC 0.00002; gnomAD exomes 0.00003; gnomAD 0.00009; TOPMed 0.00010; ESP Exome Variant Server 0.00015.
gnomAD v4.1: 95 of 1,613,702 alleles (0.0059%); highest among the groups gnomAD compares: East Asian, 0.022%; no homozygotes.

Submissions (19):

Evidence-based Network for the Interpretation of Germline Mutant Alleles (ENIGMA)
Classification: Likely benign for Breast-ovarian cancer, familial, susceptibility to, 1. Last evaluated: 2017-06-29. Review status: reviewed by expert panel. Criteria: ENIGMA BRCA1/2 Classification Criteria (2017-06-29). Collection method: curation. Allele origin: germline.
Comment: Synonymous substitution variant, with low bioinformatic likelihood to result in a splicing aberration (Splicing prior probability 0.02).

Labcorp Genetics (formerly Invitae), Labcorp
Classification: Likely benign for Hereditary breast ovarian cancer syndrome. Last evaluated: 2026-02-04. Review status: criteria provided, single submitter. Criteria: Invitae Variant Classification Sherloc (09022015). Collection method: clinical testing. Allele origin: germline. Not counted in ClinVar's aggregate classification.

Center for Genomic Medicine, Rigshospitalet, Copenhagen University Hospital
Classification: Likely benign. Last evaluated: 2025-03-04. Review status: criteria provided, single submitter. Criteria: ACMG Guidelines, 2015. Collection method: clinical testing. Allele origin: germline. Not counted in ClinVar's aggregate classification.

ARUP Laboratories, Molecular Genetics and Genomics, ARUP Laboratories
Classification: Likely benign. Last evaluated: 2024-10-01. Review status: criteria provided, single submitter. Criteria: ARUP Molecular Germline Variant Investigation Process 2024. Collection method: clinical testing. Allele origin: germline. Not counted in ClinVar's aggregate classification.

All of Us Research Program, National Institutes of Health
Classification: Likely benign for Breast-ovarian cancer, familial, susceptibility to, 1. Last evaluated: 2023-10-02. Review status: criteria provided, single submitter. Criteria: ACMG Guidelines, 2015. Collection method: clinical testing. Allele origin: germline. Inheritance: Autosomal dominant inheritance. Observed: 11 variant alleles, 11 heterozygotes. Not counted in ClinVar's aggregate classification.
Comment: This study involves interpretation of variants in research participants for the purpose of population health screening. Participant phenotype was not available at the time of variant classification. Additional details can be found in publication PMID: 35346344, PMCID: PMC8962531

CeGaT Center for Human Genetics Tuebingen
Classification: Likely benign. Last evaluated: 2022-10-01. Review status: criteria provided, single submitter. Criteria: CeGaT Center For Human Genetics Tuebingen Variant Classification Criteria Version 2. Collection method: clinical testing. Allele origin: germline. Affected: yes. Observed: 3 variant alleles. Not counted in ClinVar's aggregate classification.
Comment: BRCA1: BP4, BP7

Sema4
Classification: Likely benign for Hereditary cancer-predisposing syndrome. Last evaluated: 2021-02-21. Review status: criteria provided, single submitter. Criteria: Sema4 Curation Guidelines. Collection method: curation. Allele origin: germline. Not counted in ClinVar's aggregate classification.

Women's Health and Genetics/Laboratory Corporation of America, LabCorp
Classification: Likely benign. Last evaluated: 2019-07-04. Review status: criteria provided, single submitter. Criteria: LabCorp Variant Classification Summary - May 2015. Collection method: clinical testing. Allele origin: germline. Not counted in ClinVar's aggregate classification.

Mendelics
Classification: Likely benign for Breast-ovarian cancer, familial, susceptibility to, 1. Last evaluated: 2019-05-28. Review status: criteria provided, single submitter. Criteria: Mendelics Assertion Criteria 2017. Collection method: clinical testing. Allele origin: unknown. Not counted in ClinVar's aggregate classification.

Illumina Laboratory Services, Illumina
Classification: Uncertain significance for Breast-ovarian cancer, familial, susceptibility to, 1. Last evaluated: 2017-04-28. Review status: criteria provided, single submitter. Criteria: ICSL Variant Classification Criteria 13 December 2019. Collection method: clinical testing. Allele origin: germline. Not counted in ClinVar's aggregate classification.
Comment: This variant was observed as part of a predisposition screen in an ostensibly healthy population. A literature search was performed for the gene, cDNA change, and amino acid change (where applicable). Publications were found based on this search. However, the evidence from the literature, in combination with allele frequency data from public databases where available, was not sufficient to rule this variant in or out of causing disease. Therefore, this variant is classified as a variant of unknown significance.

Color Diagnostics, LLC DBA Color Health
Classification: Likely benign for Hereditary cancer-predisposing syndrome. Last evaluated: 2015-07-15. Review status: criteria provided, single submitter. Criteria: ACMG Guidelines, 2015. Collection method: clinical testing. Allele origin: germline. Not counted in ClinVar's aggregate classification.

Ambry Genetics
Classification: Likely benign for Hereditary cancer-predisposing syndrome. Last evaluated: 2014-10-08. Review status: criteria provided, single submitter. Criteria: Ambry Variant Classification Scheme 2023. Collection method: clinical testing. Allele origin: germline. Not counted in ClinVar's aggregate classification.

GeneDx
Classification: Benign. Last evaluated: 2014-05-24. Review status: criteria provided, single submitter. Criteria: GeneDx Variant Classification (06012015). Collection method: clinical testing. Allele origin: germline. Affected: yes. Not counted in ClinVar's aggregate classification.
Comment: This variant is considered likely benign or benign based on one or more of the following criteria: it is a conservative change, it occurs at a poorly conserved position in the protein, it is predicted to be benign by multiple in silico algorithms, and/or has population frequency not consistent with disease.

Counsyl
Classification: Likely benign for Breast-ovarian cancer, familial 1. Last evaluated: 2014-11-24. Review status: no assertion criteria provided. Collection method: literature only. Allele origin: unknown. Inheritance: Autosomal dominant inheritance. Not counted in ClinVar's aggregate classification.

Clinical Genetics DNA and cytogenetics Diagnostics Lab, Erasmus MC, Erasmus Medical Center
Classification: Likely benign. Review status: no assertion criteria provided. Collection method: clinical testing. Allele origin: germline. Affected: yes. Study: VKGL Data-share Consensus. Not counted in ClinVar's aggregate classification.

Clinical Genetics Laboratory, Department of Pathology, Netherlands Cancer Institute
Classification: Likely benign. Review status: no assertion criteria provided. Collection method: clinical testing. Allele origin: germline. Affected: yes. Study: VKGL Data-share Consensus. Not counted in ClinVar's aggregate classification.

Department of Pathology and Laboratory Medicine, Sinai Health System
Classification: Likely benign. Review status: no assertion criteria provided. Collection method: clinical testing. Allele origin: unknown. Affected: yes. Study: The Canadian Open Genetics Repository (COGR). Not counted in ClinVar's aggregate classification.
Comment: The BRCA1 p.Ser784Ser variant does not result in a change of amino acid and is not located in a known consensus splice site. In addition, in silico or computational prediction software programs (SpliceSiteFinder, MaxEntScan, NNSPLICE, GeneSplicer) do not predict a difference in splicing. Co-occurrences with other pathogenic variant(s) have been reported (BRCA1 c.886_889delAGAA, p.Arg296*; BRCA1 c.3748G>T, p.Glu1250*), providing supporting evidence for a benign role (ClinVar, SCV000916753.1). The variant was identified in control databases in 8 of 128598 chromosomes (0 homozygous) at a frequency of 0.000039, and was observed at the highest frequency in the European (non-Finnish) population in 8 of 128598 chromosomes (freq: 0.00006221) (Genome Aggregation Database March 6, 2019, v2.1.1). In summary, the clinical significance of this variant cannot be determined with certainty at this time although we would lean towards a more benign role for this variant. This variant is classified as likely benign.

Joint Genome Diagnostic Labs from Nijmegen and Maastricht, Radboudumc and MUMC+
Classification: Likely benign. Review status: no assertion criteria provided. Collection method: clinical testing. Allele origin: germline. Affected: yes. Study: VKGL Data-share Consensus. Not counted in ClinVar's aggregate classification.

Laboratory of Diagnostic Genome Analysis, Leiden University Medical Center (LUMC)
Classification: Likely benign. Review status: no assertion criteria provided. Collection method: clinical testing. Allele origin: germline. Affected: yes. Study: VKGL Data-share Consensus. Not counted in ClinVar's aggregate classification.

Literature cited by the submitters: PubMed 16267036 (cited by 3 submitters); PubMed 20104584 (cited by 3 submitters); PubMed 21120943 (cited by Women's Health and Genetics/Laboratory Corporation of America, LabCorp); PubMed 19941162 (cited by 3 submitters).

NM_007294.4(BRCA1):c.2352G>A (p.Ser784=)

Gene: BRCA1 (BRCA1 DNA repair associated; minus strand). Cytogenetic location: 17q21.31.
Variant type: single nucleotide variant.
Coding change: c.2352G>A on transcript NM_007294.4 (MANE Select); coding-DNA position 2352, G replaced by A.
Protein change: p.Ser784=; no amino-acid change (serine 784 retained).
Molecular consequence: synonymous variant. On other transcripts: intron variant (137).
Genome position (GRCh38, 1-based): chr17:43,093,179, C>T on the plus strand (G>A on the coding strand, the complement: BRCA1 is on the minus strand). VCF-style: chr17-43093179-C-T. GRCh37 (hg19) VCF-style: chr17-41245196-C-T.
Other names: p.S784S:TCG>TCA; c.2139G>A, p.Ser713= (NM_001407571.1, NM_001407853.1, NM_001407894.1 and 9 more transcripts); c.2352G>A, p.Ser784= (NM_001407581.1, NM_001407582.1, NM_001407583.1 and 30 more transcripts); c.2349G>A, p.Ser783= (NM_001407587.1, NM_001407590.1, NM_001407591.1 and 22 more transcripts); c.2343G>A, p.Ser781= (NM_001407646.1, NM_001407647.1); c.2229G>A, p.Ser743= (NM_001407648.1, NM_001407664.1, NM_001407665.1 and 19 more transcripts); c.2226G>A, p.Ser742= (NM_001407649.1, NM_001407670.1, NM_001407671.1 and 11 more transcripts); c.2274G>A, p.Ser758= (NM_001407653.1, NM_001407654.1, NM_001407655.1 and 4 more transcripts); and 42 more.
Identifiers: ClinVar variation 136543 (VCV000136543.70), dbSNP rs372017932, ClinGen allele CA001570.